The following is an entry in ClinVar:

ClinVar aggregate classification (germline): Uncertain significance. Review status: criteria provided, multiple submitters, no conflicts (2 of 4 stars). 2 submissions from 2 submitters: Uncertain significance (2). Last evaluated 2025-02-13.

Conditions:
Autosomal dominant Parkinson disease 8. Also called: LRRK2-Related Parkinson Disease; Parkinson disease 8; Parkinson disease 8, susceptibility to. Identifiers: Orphanet 411602, MedGen C1846862, MONDO:0011764, OMIM 607060.

Allele frequency attached by ClinVar (database versions not stated): ExAC 0.00004; gnomAD 0.00005; gnomAD exomes 0.00005 and 0.00007; ESP Exome Variant Server 0.00008; TOPMed 0.00010; 1000 Genomes Project 0.00040; 1000 Genomes Project 30x 0.00047.

Submissions (2):

Labcorp Genetics (formerly Invitae), Labcorp
Classification: Uncertain significance for Autosomal dominant Parkinson disease 8. Last evaluated: 2025-02-13. Review status: criteria provided, single submitter. Criteria: Invitae Variant Classification Sherloc (09022015). Collection method: clinical testing. Allele origin: germline.
Comment: This sequence change creates a premature translational stop signal (p.Cys1313*) in the LRRK2 gene. It is expected to result in an absent or disrupted protein product. However, the current clinical and genetic evidence is not sufficient to establish whether loss-of-function variants in LRRK2 cause disease. This variant is present in population databases (rs183902574, gnomAD 0.03%), and has an allele count higher than expected for a pathogenic variant. This variant has not been reported in the literature in individuals affected with LRRK2-related conditions. ClinVar contains an entry for this variant (Variation ID: 503625). In summary, the available evidence is currently insufficient to determine the role of this variant in disease. Therefore, it has been classified as a Variant of Uncertain Significance.

GeneDx
Classification: Uncertain significance. Last evaluated: 2017-02-20. Review status: criteria provided, single submitter. Criteria: GeneDx Variant Classification (06012015). Collection method: clinical testing. Allele origin: germline. Affected: yes.
Comment: The C1313X variant in the LRRK2 gene has not been reported previously as a pathogenic variant nor as a benign variant in peer-reviewed literature. However, in an abstract discussing a patient with juvenile parkinsonism, C1313X was noted in the patient's whole exome sequencing data. The C1313X variant is predicted to cause loss of normal protein function either through protein truncation or nonsense-mediated mRNA decay. The C1313X variant is not observed at a significant frequency in large population cohorts (Lek et al., 2016; 1000 Genomes Consortium et al., 2015; Exome Variant Server). We interpret C1313X as a variant of uncertain significance.

NM_198578.4(LRRK2):c.3939T>A (p.Cys1313Ter)

Gene: LRRK2 (leucine rich repeat kinase 2; plus strand). Cytogenetic location: 12q12.
Variant type: single nucleotide variant.
Coding change: c.3939T>A on transcript NM_198578.4 (MANE Select); coding-DNA position 3939, T replaced by A.
Protein change: p.Cys1313Ter; replaces cysteine 1313 with a stop codon.
Molecular consequence: nonsense.
Genome position (GRCh38, 1-based): chr12:40,305,946, T>A. VCF-style: chr12-40305946-T-A. GRCh37 (hg19) VCF-style: chr12-40699748-T-A.
Other names: short protein forms C1313*.
Identifiers: ClinVar variation 503625 (VCV000503625.7), dbSNP rs183902574, ClinGen allele CA6514045.